The following is an entry in ClinVar:

ClinVar aggregate classification (germline): Uncertain significance (1 of 4 stars; one submission).

Conditions:
Multiple congenital anomalies-hypotonia-seizures syndrome 1 (MCAHS1). Also called: PIGN-CDG; Congenital disorder of glycosylation due to PIGN deficiency; GLYCOSYLPHOSPHATIDYLINOSITOL BIOSYNTHESIS DEFECT 3. Identifiers: Orphanet 280633, MedGen C3279775, MONDO:0013563, OMIM 614080.

gnomAD v4.1: 2 of 1,552,240 alleles (0.00013%); no homozygotes.

Submission:

Labcorp Genetics (formerly Invitae), Labcorp
Classification: Uncertain significance for Multiple congenital anomalies-hypotonia-seizures syndrome 1. Last evaluated: 2022-02-11. Review status: criteria provided, single submitter. Criteria: Invitae Variant Classification Sherloc (09022015). Collection method: clinical testing. Allele origin: germline.
Comment: In summary, the available evidence is currently insufficient to determine the role of this variant in disease. Therefore, it has been classified as a Variant of Uncertain Significance. Algorithms developed to predict the effect of missense changes on protein structure and function output the following: SIFT: "Not Available"; PolyPhen-2: "Benign"; Align-GVGD: "Not Available". The threonine amino acid residue is found in multiple mammalian species, which suggests that this missense change does not adversely affect protein function. This variant has not been reported in the literature in individuals affected with PIGN-related conditions. The frequency data for this variant in the population databases is considered unreliable, as metrics indicate poor data quality at this position in the gnomAD database. This sequence change replaces alanine, which is neutral and non-polar, with threonine, which is neutral and polar, at codon 813 of the PIGN protein (p.Ala813Thr).

NM_176787.5(PIGN):c.2437G>A (p.Ala813Thr)

Gene: PIGN (phosphatidylinositol glycan anchor biosynthesis class N; minus strand). Cytogenetic location: 18q21.33.
Variant type: single nucleotide variant.
Coding change: c.2437G>A on transcript NM_176787.5 (MANE Select); coding-DNA position 2437, G replaced by A.
Protein change: p.Ala813Thr; replaces alanine 813 with threonine.
Molecular consequence: missense variant.
Genome position (GRCh38, 1-based): chr18:62,084,596, C>T on the plus strand (G>A on the coding strand, the complement: PIGN is on the minus strand). VCF-style: chr18-62084596-C-T. GRCh37 (hg19) VCF-style: chr18-59751829-C-T.
Other names: c.2437G>A, p.Ala813Thr (NM_012327.6); short protein forms A813T.
Identifiers: ClinVar variation 1963749 (VCV001963749.5), dbSNP rs769813940, ClinGen allele CA402601396.
Genomic context (GRCh38, chr18:62,084,596, plus strand): 5'-ACATCATCAGGGCTCCCATCATAAAAGGACTGAACACAGTCAGAAAGCAATAGACAGAGG[C>T]AAGATCAAAGCTAGGGAATTATAACAAGGAAAAAGAATTTAGAATTCACTCTGTAACTTT-3'
Protein context (NP_789744.1, residues 803-823): NIASINSFDL[Ala813Thr]SVYCFLTVFS